The following is an entry in ClinVar:

ClinVar aggregate classification (germline): Uncertain significance. Review status: criteria provided, multiple submitters, no conflicts (2 of 4 stars). 2 submissions from 2 submitters: Uncertain significance (2). Last evaluated 2024-12-11.

Conditions:
Primary ciliary dyskinesia. Also called: Ciliary dyskinesia. Identifiers: Orphanet 244, MedGen C0008780, MONDO:0016575, HP:0012265.

gnomAD v4.1: 3 of 1,549,034 alleles (0.00019%); highest among the groups gnomAD compares: Non-Finnish European, 0.00026%; no homozygotes.

Submissions (2):

Women's Health and Genetics/Laboratory Corporation of America, LabCorp
Classification: Uncertain significance. Last evaluated: 2024-12-11. Review status: criteria provided, single submitter. Criteria: LabCorp Variant Classification Summary - May 2015. Collection method: clinical testing. Allele origin: germline.
Comment: Variant summary: DNAH5 c.7481C>A (p.Ala2494Glu) results in a non-conservative amino acid change located in the Dynein heavy chain AAA lid domain (IPR041466) of the encoded protein sequence. Three of four in-silico tools predict a damaging effect of the variant on protein function. The variant was absent in 144832 control chromosomes. The available data on variant occurrences in the general population are insufficient to allow any conclusion about variant significance. c.7481C>A has been reported in the literature in at least one individual affected with Primary ciliary dyskinesia 3 (Nothe-Menchen_2019). These report(s) do not provide unequivocal conclusions about association of the variant with Primary ciliary dyskinesia 3. To our knowledge, no experimental evidence demonstrating an impact on protein function has been reported. The following publication have been ascertained in the context of this evaluation (PMID: 31638833). ClinVar contains an entry for this variant (Variation ID: 454803). Based on the evidence outlined above, the variant was classified as uncertain significance.

Labcorp Genetics (formerly Invitae), Labcorp
Classification: Uncertain significance for Primary ciliary dyskinesia. Last evaluated: 2021-09-01. Review status: criteria provided, single submitter. Criteria: Invitae Variant Classification Sherloc (09022015). Collection method: clinical testing. Allele origin: germline.
Comment: This sequence change replaces alanine with glutamic acid at codon 2494 of the DNAH5 protein (p.Ala2494Glu). The alanine residue is highly conserved and there is a moderate physicochemical difference between alanine and glutamic acid. The frequency data for this variant in the population databases is considered unreliable, as metrics indicate insufficient coverage at this position in the ExAC database. This variant has not been reported in the literature in individuals affected with DNAH5-related conditions. Algorithms developed to predict the effect of missense changes on protein structure and function are either unavailable or do not agree on the potential impact of this missense change (SIFT: "Deleterious"; PolyPhen-2: "Possibly Damaging"; Align-GVGD: "Class C15"). In summary, the available evidence is currently insufficient to determine the role of this variant in disease. Therefore, it has been classified as a Variant of Uncertain Significance.

Literature cited by the submitters: PubMed 31638833 (cited by Women's Health and Genetics/Laboratory Corporation of America, LabCorp).

NM_001369.3(DNAH5):c.7481C>A (p.Ala2494Glu)

Gene: DNAH5 (dynein axonemal heavy chain 5; minus strand). Cytogenetic location: 5p15.2.
Variant type: single nucleotide variant.
Coding change: c.7481C>A on transcript NM_001369.3 (MANE Select); coding-DNA position 7481, C replaced by A.
Protein change: p.Ala2494Glu; replaces alanine 2494 with glutamic acid.
Molecular consequence: missense variant.
Genome position (GRCh38, 1-based): chr5:13,810,187, G>T on the plus strand (C>A on the coding strand, the complement: DNAH5 is on the minus strand). VCF-style: chr5-13810187-G-T. GRCh37 (hg19) VCF-style: chr5-13810296-G-T.
Other names: short protein forms A2494E.
Identifiers: ClinVar variation 454803 (VCV000454803.7), dbSNP rs1428862297, ClinGen allele CA359232107.
Genomic context (GRCh38, chr5:13,810,187, plus strand): 5'-CCTGTGGGCCGAGAGCGCAGCCAGAGCTCCAGGCGGCGCCGTCCGTCCAGCTCCAGCGCC[G>T]CCCCCGCGCTCCACAGCAGCGCGAACACGAACAGCCGCCCCAGGTGAGCCTGGCTCACCT-3'
Protein context (NP_001360.1, residues 2484-2504): FVFALLWSAG[Ala2494Glu]ALELDGRRRL